The following is an entry in ClinVar:

NM_004793.4(LONP1):c.792T>G (p.Pro264=)

Gene: LONP1 (lon peptidase 1, mitochondrial; minus strand). Cytogenetic location: 19p13.3.
Variant type: single nucleotide variant.
Coding change: c.792T>G on transcript NM_004793.4 (MANE Select); coding-DNA position 792, T replaced by G.
Protein change: p.Pro264=; no amino-acid change (proline 264 retained).
Molecular consequence: synonymous variant. On other transcripts: non-coding transcript variant (1).
Genome position (GRCh38, 1-based): chr19:5,711,849, A>C on the plus strand (T>G on the coding strand, the complement: LONP1 is on the minus strand). VCF-style: chr19-5711849-A-C. GRCh37 (hg19) VCF-style: chr19-5711860-A-C.
Other names: c.204T>G, p.Pro68= (NM_001276480.1); c.600T>G, p.Pro200= (NM_001276479.2).
Identifiers: ClinVar variation 3067490 (VCV003067490.21), dbSNP rs2512422575, ClinGen allele CA505180694.

ClinVar aggregate classification (germline): Likely benign (1 of 4 stars; one submission).

Submission:

CeGaT Center for Human Genetics Tuebingen
Classification: Likely benign. Last evaluated: 2024-03-01. Review status: criteria provided, single submitter. Criteria: CeGaT Center For Human Genetics Tuebingen Variant Classification Criteria Version 2. Collection method: clinical testing. Allele origin: germline. Affected: yes. Observed: 1 variant allele.
Comment: LONP1: PM2:Supporting, BP4, BP7